The following is an entry in ClinVar:

NM_001365480.1(CCDC88A):c.1786A>G (p.Ile596Val)

Gene: CCDC88A (coiled-coil domain containing 88A; minus strand). Cytogenetic location: 2p16.1.
Variant type: single nucleotide variant.
Coding change: c.1786A>G on transcript NM_001365480.1 (MANE Select); coding-DNA position 1786, A replaced by G.
Protein change: p.Ile596Val; replaces isoleucine 596 with valine.
Molecular consequence: missense variant.
Genome position (GRCh38, 1-based): chr2:55,335,035, T>C on the plus strand (A>G on the coding strand, the complement: CCDC88A is on the minus strand). VCF-style: chr2-55335035-T-C. GRCh37 (hg19) VCF-style: chr2-55562171-T-C.
Other names: c.1786A>G, p.Ile596Val (NM_001135597.2, NM_001254943.2, NM_018084.5); short protein forms I596V.
Identifiers: ClinVar variation 1369738 (VCV001369738.7), dbSNP rs901027876, ClinGen allele CA47605251.

ClinVar aggregate classification (germline): Uncertain significance (1 of 4 stars; one submission).

Allele frequency attached by ClinVar (database versions not stated): gnomAD exomes below 0.00001; TOPMed below 0.00001.
gnomAD v4.1: 6 of 1,611,220 alleles (0.00037%); highest among the groups gnomAD compares: South Asian, 0.0011%; no homozygotes.

Submission:

Labcorp Genetics (formerly Invitae), Labcorp
Classification: Uncertain significance. Last evaluated: 2021-02-14. Review status: criteria provided, single submitter. Criteria: Invitae Variant Classification Sherloc (09022015). Collection method: clinical testing. Allele origin: germline.
Comment: This sequence change replaces isoleucine with valine at codon 596 of the CCDC88A protein (p.Ile596Val). The isoleucine residue is moderately conserved and there is a small physicochemical difference between isoleucine and valine. This variant is not present in population databases (ExAC no frequency). This variant has not been reported in the literature in individuals with CCDC88A-related conditions. Algorithms developed to predict the effect of missense changes on protein structure and function are either unavailable or do not agree on the potential impact of this missense change (SIFT: "Deleterious"; PolyPhen-2: "Possibly Damaging"; Align-GVGD: "Class C0"). In summary, the available evidence is currently insufficient to determine the role of this variant in disease. Therefore, it has been classified as a Variant of Uncertain Significance.